The following is an entry in ClinVar:

ClinVar aggregate classification (germline): Likely benign. Review status: criteria provided, multiple submitters, no conflicts (2 of 4 stars). 4 submissions from 4 submitters: Likely benign (3). 1 of the submissions does not count toward it. Last evaluated 2026-01-01.

Conditions:
TCTN2-related disorder. Also called: TCTN2-related condition; TCTN2-related disorders. Identifiers: MedGen CN239412.
Meckel-Gruber syndrome. Also called: Dysencephalia splachnocystica; GRUBER SYNDROME; DYSENCEPHALIA SPLANCHNOCYSTICA. Identifiers: Orphanet 564, MedGen C0265215, MONDO:0018921.
Joubert syndrome. Also called: Familial aplasia of the vermis; JOUBERT-BOLTSHAUSER SYNDROME. Identifiers: Orphanet 475, MedGen C5979921, MONDO:0018772.

Allele frequency attached by ClinVar (database versions not stated): ExAC 0.00006; gnomAD exomes 0.00006 and 0.00004; TOPMed 0.00006; 1000 Genomes Project 30x 0.00016; 1000 Genomes Project 0.00020; ESP Exome Variant Server 0.00023; gnomAD 0.00004.
gnomAD v4.1: 57 of 1,613,986 alleles (0.0035%); highest among the groups gnomAD compares: Admixed American, 0.0067%; no homozygotes.

Submissions (4):

CeGaT Center for Human Genetics Tuebingen
Classification: Likely benign. Last evaluated: 2026-01-01. Review status: criteria provided, single submitter. Criteria: CeGaT Center For Human Genetics Tuebingen Variant Classification Criteria Version 2. Collection method: clinical testing. Allele origin: germline. Affected: yes. Observed: 2 variant alleles.
Comment: TCTN2: BP4, BP7

Labcorp Genetics (formerly Invitae), Labcorp
Classification: Likely benign for Joubert syndrome; Meckel-Gruber syndrome. Last evaluated: 2025-11-16. Review status: criteria provided, single submitter. Criteria: Invitae Variant Classification Sherloc (09022015). Collection method: clinical testing. Allele origin: germline.

Blueprint Genetics
Classification: Likely benign. Last evaluated: 2024-10-02. Review status: criteria provided, single submitter. Criteria: ACMG Guidelines, 2015. Collection method: clinical testing. Allele origin: germline.

PreventionGenetics, part of Exact Sciences
Classification: Likely benign for TCTN2-related condition. Last evaluated: 2022-02-07. Review status: no assertion criteria provided. Collection method: clinical testing. Allele origin: germline. Not counted in ClinVar's aggregate classification.
Comment: This variant is classified as likely benign based on ACMG/AMP sequence variant interpretation guidelines (Richards et al. 2015 PMID: 25741868, with internal and published modifications).

NM_024809.5(TCTN2):c.960C>T (p.Cys320=)

Gene: TCTN2 (tectonic family member 2; plus strand). Cytogenetic location: 12q24.31.
Variant type: single nucleotide variant.
Coding change: c.960C>T on transcript NM_024809.5 (MANE Select); coding-DNA position 960, C replaced by T.
Protein change: p.Cys320=; no amino-acid change (cysteine 320 retained).
Molecular consequence: synonymous variant.
Genome position (GRCh38, 1-based): chr12:123,690,601, C>T. VCF-style: chr12-123690601-C-T. GRCh37 (hg19) VCF-style: chr12-124175148-C-T.
Other names: c.957C>T, p.Cys319= (NM_001143850.3).
Identifiers: ClinVar variation 695253 (VCV000695253.16), dbSNP rs145332333, ClinGen allele CA6861053.